The following is an entry in ClinVar:

NM_005591.4(MRE11):c.1639A>C (p.Ser547Arg)

Gene: MRE11 (MRE11 double strand break repair nuclease; minus strand). Cytogenetic location: 11q21.
Variant type: single nucleotide variant.
Coding change: c.1639A>C on transcript NM_005591.4 (MANE Select); coding-DNA position 1639, A replaced by C.
Protein change: p.Ser547Arg; replaces serine 547 with arginine.
Molecular consequence: missense variant.
Genome position (GRCh38, 1-based): chr11:94,447,363, T>G on the plus strand (A>C on the coding strand, the complement: MRE11 is on the minus strand). VCF-style: chr11-94447363-T-G. GRCh37 (hg19) VCF-style: chr11-94180529-T-G.
Other names: c.1639A>C, p.Ser547Arg (NM_001330347.2, NM_005590.4); short protein forms S547R.
Identifiers: ClinVar variation 187353 (VCV000187353.15), dbSNP rs786203665, ClinGen allele CA197432.
Genomic context (GRCh38, chr11:94,447,363, plus strand): 5'-TGGTTGCTGCTGAGATGCTATCATCAGAGTCATTAGCCATCTGTTCTGCTAAATCTATAC[T>G]CATAAGGTCATCAGCACTAAAGGCAGAAGCAGACTCCTCTGACTGAGATCTGAGTGCTCT-3'
Protein context (NP_005582.1, residues 537-557): ASAFSADDLM[Ser547Arg]IDLAEQMAND

ClinVar aggregate classification (germline): Uncertain significance. Review status: criteria provided, multiple submitters, no conflicts (2 of 4 stars). 2 submissions from 2 submitters: Uncertain significance (2). Last evaluated 2019-05-28.

Conditions:
Ataxia-telangiectasia-like disorder (ATLD). Identifiers: MedGen C1858391, MONDO:0011457.
Hereditary cancer-predisposing syndrome. Also called: Neoplastic Syndromes, Hereditary; Tumor predisposition; Hereditary Cancer Syndrome; Hereditary neoplastic syndrome. Identifiers: Orphanet 140162, MedGen C0027672, MeSH D009386, MONDO:0015356.

Submissions (2):

Labcorp Genetics (formerly Invitae), Labcorp
Classification: Uncertain significance for Ataxia-telangiectasia-like disorder. Last evaluated: 2019-05-28. Review status: criteria provided, single submitter. Criteria: Invitae Variant Classification Sherloc (09022015). Collection method: clinical testing. Allele origin: germline.
Comment: This sequence change replaces serine with arginine at codon 547 of the MRE11 protein (p.Ser547Arg). The serine residue is weakly conserved and there is a moderate physicochemical difference between serine and arginine. This variant is not present in population databases (ExAC no frequency). This variant has not been reported in the literature in individuals with MRE11-related conditions. ClinVar contains an entry for this variant (Variation ID: 187353). Algorithms developed to predict the effect of missense changes on protein structure and function (SIFT, PolyPhen-2, Align-GVGD) all suggest that this variant is likely to be tolerated, but these predictions have not been confirmed by published functional studies and their clinical significance is uncertain. In summary, the available evidence is currently insufficient to determine the role of this variant in disease. Therefore, it has been classified as a Variant of Uncertain Significance.

Ambry Genetics
Classification: Uncertain significance for Hereditary cancer-predisposing syndrome. Last evaluated: 2014-12-10. Review status: criteria provided, single submitter. Criteria: Ambry Variant Classification Scheme 2023. Collection method: clinical testing. Allele origin: germline.
Comment: The p.S547R variant (also known as c.1639A>C), located in coding exon 14 of the MRE11A gene, results from an A to C substitution at nucleotide position 1639. The serine at codon 547 is replaced by arginine, an amino acid with dissimilar properties. This variant was not reported in population based cohorts in the following databases: Database of Single Nucleotide Polymorphisms (dbSNP), NHLBI Exome Sequencing Project (ESP), and 1000 Genomes Project. In the ESP, this variant was not observed in 6499 samples (12998 alleles) with coverage at this position. To date, this alteration has been detected with an allele frequency of approximately 0.003% (greater than 40000 alleles tested) in our clinical cohort. This amino acid position is well conserved in available vertebrate species. In addition, this alteration is predicted to be tolerated by in silico analysis. Since supporting evidence is limited at this time, the clinical significance of p.S547R remains unclear.